The following is an entry in ClinVar:

NM_022168.4(IFIH1):c.488G>C (p.Gly163Ala)

Gene: IFIH1 (interferon induced with helicase C domain 1; minus strand). Cytogenetic location: 2q24.2.
Variant type: single nucleotide variant.
Coding change: c.488G>C on transcript NM_022168.4 (MANE Select); coding-DNA position 488, G replaced by C.
Protein change: p.Gly163Ala; replaces glycine 163 with alanine.
Molecular consequence: missense variant.
Genome position (GRCh38, 1-based): chr2:162,310,899, C>G on the plus strand (G>C on the coding strand, the complement: IFIH1 is on the minus strand). VCF-style: chr2-162310899-C-G. GRCh37 (hg19) VCF-style: chr2-163167409-C-G.
Other names: short protein forms G163A.
Identifiers: ClinVar variation 4537057 (VCV004537057.1).

ClinVar aggregate classification (germline): Uncertain significance (1 of 4 stars; one submission).

gnomAD v4.1: 1 of 1,613,428 alleles (0.000062%); highest among the groups gnomAD compares: Non-Finnish European, 0.000085%; no homozygotes.

Submission:

Women's Health and Genetics/Laboratory Corporation of America, LabCorp
Classification: Uncertain significance. Last evaluated: 2025-11-05. Review status: criteria provided, single submitter. Criteria: LabCorp Variant Classification Summary - May 2015. Collection method: clinical testing. Allele origin: germline.
Comment: Variant summary: IFIH1 c.488G>C (p.Gly163Ala) results in a non-conservative amino acid change in the encoded protein sequence. Algorithms developed to predict the effect of missense changes on protein structure and function are either unavailable or do not agree on the potential impact of this missense change. The variant allele was found at a frequency of 4e-06 in 250658 control chromosomes. The available data on variant occurrences in the general population are insufficient to allow any conclusion about variant significance. To our knowledge, no occurrence of c.488G>C in individuals affected with IFIH1-related conditions and no experimental evidence demonstrating its impact on protein function have been reported. No submitters have cited clinical-significance assessments for this variant to ClinVar. Based on the evidence outlined above, the variant was classified as uncertain significance.